The following is an entry in ClinVar:

NM_001099403.2(PRDM8):c.1535C>A (p.Ser512Tyr)

Genes: PRDM8 (PR/SET domain 8; plus strand), LOC129992745 (ATAC-STARR-seq lymphoblastoid silent region 15522; plus strand). Cytogenetic location: 4q21.21.
Variant type: single nucleotide variant.
Coding change: c.1535C>A on transcript NM_001099403.2 (MANE Select); coding-DNA position 1535, C replaced by A.
Protein change: p.Ser512Tyr; replaces serine 512 with tyrosine.
Molecular consequence: missense variant.
Genome position (GRCh38, 1-based): chr4:80,202,997, C>A. VCF-style: chr4-80202997-C-A. GRCh37 (hg19) VCF-style: chr4-81124151-C-A.
Other names: c.1535C>A, p.Ser512Tyr (NM_020226.4); short protein forms S512Y.
Identifiers: ClinVar variation 2026772 (VCV002026772.4), dbSNP rs1439005949, ClinGen allele CA357401324.

ClinVar aggregate classification (germline): Uncertain significance (1 of 4 stars; one submission).

Conditions:
Early-onset Lafora body disease. Also called: Epilepsy, progressive myoclonic, 10. Identifiers: Orphanet 324290, MedGen C4225258, MONDO:0014717, OMIM 616640.

Submission:

Labcorp Genetics (formerly Invitae), Labcorp
Classification: Uncertain significance for Early-onset Lafora body disease. Last evaluated: 2021-12-13. Review status: criteria provided, single submitter. Criteria: Invitae Variant Classification Sherloc (09022015). Collection method: clinical testing. Allele origin: germline.
Comment: This variant has not been reported in the literature in individuals affected with PRDM8-related conditions. This variant is not present in population databases (gnomAD no frequency). This sequence change replaces serine, which is neutral and polar, with tyrosine, which is neutral and polar, at codon 512 of the PRDM8 protein (p.Ser512Tyr). Algorithms developed to predict the effect of missense changes on protein structure and function are either unavailable or do not agree on the potential impact of this missense change (SIFT: "Deleterious"; PolyPhen-2: "Benign"; Align-GVGD: "Class C0"). In summary, the available evidence is currently insufficient to determine the role of this variant in disease. Therefore, it has been classified as a Variant of Uncertain Significance.